The following is an entry in ClinVar:

NM_000466.3(PEX1):c.2718+5G>T

Gene: PEX1 (peroxisomal biogenesis factor 1; minus strand). Cytogenetic location: 7q21.2.
Variant type: single nucleotide variant.
Coding change: c.2718+5G>T on transcript NM_000466.3 (MANE Select); 5 bases into the intron after coding-DNA position 2718, G replaced by T.
Molecular consequence: intron variant.
Genome position (GRCh38, 1-based): chr7:92,499,699, C>A on the plus strand (G>T on the coding strand, the complement: PEX1 is on the minus strand). VCF-style: chr7-92499699-C-A. GRCh37 (hg19) VCF-style: chr7-92129013-C-A.
Other names: c.2718+5G>T (NM_000466.2); c.2547+5G>T (NM_001282677.2); c.2094+5G>T (NM_001282678.2).
Identifiers: ClinVar variation 4896703 (VCV004896703.2).
Genomic context (GRCh38, chr7:92,499,699, plus strand): 5'-AAATGGCTAACTGCATTTATGTTAATTTTACCTAAATAAAAAAAGAAGATAAGTAGACAA[C>A]ATACCTTGACACTTATAAAATTCATTCTACTCTCTCGTGCAATTACCCCAGCTAGTAAGG-3'

ClinVar aggregate classification (germline): Uncertain significance. Review status: criteria provided, multiple submitters, no conflicts (2 of 4 stars). 2 submissions from 2 submitters: Uncertain significance (2). Last evaluated 2025-10-05.

Conditions:
PEX1-related disorder. Also called: PEX1-related condition.

Submissions (2):

PreventionGenetics, part of Exact Sciences
Classification: Uncertain significance for PEX1-related condition. Last evaluated: 2025-10-05. Review status: criteria provided, single submitter. Criteria: ACMG Guidelines, 2015. Collection method: clinical testing. Allele origin: germline.
Comment: The PEX1 c.2718+5G>T variant is predicted to interfere with splicing. This variant is predicted to impact splicing based on a splicing prediction program (SpliceAI, Jaganathan K, et al. 2019. PubMed ID: 30661751). To our knowledge, this variant has not been reported in the literature or in a large population database (gnomAD), indicating this variant is rare. At this time, the clinical significance of this variant is uncertain due to the absence of conclusive functional and genetic evidence.

Blueprint Genetics
Classification: Uncertain significance. Last evaluated: 2021-10-15. Review status: criteria provided, single submitter. Criteria: ACMG Guidelines, 2015. Collection method: clinical testing. Allele origin: germline.